The following is an entry in ClinVar:

NM_017837.4(PIGV):c.446T>G (p.Phe149Cys)

Gene: PIGV (phosphatidylinositol glycan anchor biosynthesis class V; plus strand). Cytogenetic location: 1p36.11.
Variant type: single nucleotide variant.
Coding change: c.446T>G on transcript NM_017837.4 (MANE Select); coding-DNA position 446, T replaced by G.
Protein change: p.Phe149Cys; replaces phenylalanine 149 with cysteine.
Molecular consequence: missense variant. On other transcripts: non-coding transcript variant (1), intron variant (3).
Genome position (GRCh38, 1-based): chr1:26,794,480, T>G. VCF-style: chr1-26794480-T-G. GRCh37 (hg19) VCF-style: chr1-27120971-T-G.
Other names: c.446T>G, p.Phe149Cys (NM_001202554.2, NM_001374478.1, NM_001374480.1 and 2 more transcripts); c.65T>G, p.Phe22Cys (NM_001374483.1); c.172+274T>G (NM_001374484.1, NM_001374485.1); c.79-3083T>G (NM_001374486.1); short protein forms F149C, F22C.
Identifiers: ClinVar variation 3764282 (VCV003764282.1).
Genomic context (GRCh38, chr1:26,794,480, plus strand): 5'-TGGCTGCAGTTGCACTTCATGACCTGGGTTGTCTGGTTTTGCACTGTCCCCACCAGTCCT[T>G]TTATGCAGCTCTGCTTTTCTGTCTCAGCCCTGCCAATGTCTTCCTGGCAGCTGGTTACTC-3'
Protein context (NP_060307.2, residues 139-159): CLVLHCPHQS[Phe149Cys]YAALLFCLSP

ClinVar aggregate classification (germline): Uncertain significance (1 of 4 stars; one submission).

Submission:

GeneDx
Classification: Uncertain significance. Last evaluated: 2024-08-19. Review status: criteria provided, single submitter. Criteria: GeneDx Variant Classification Process June 2021. Collection method: clinical testing. Allele origin: germline. Affected: yes.
Comment: Not observed at significant frequency in large population cohorts (gnomAD); In silico analysis supports that this missense variant has a deleterious effect on protein structure/function; Has not been previously published as pathogenic or benign to our knowledge